The following is an entry in ClinVar:

ClinVar aggregate classification (germline): Uncertain significance. Review status: criteria provided, multiple submitters, no conflicts (2 of 4 stars). 7 submissions from 5 submitters: Uncertain significance (7). Last evaluated 2025-07-10.

Conditions:
Amyotrophic lateral sclerosis type 5 (ALS5). Also called: AMYOTROPHIC LATERAL SCLEROSIS 5, JUVENILE. Identifiers: Orphanet 300605, MedGen C1865864, MONDO:0011196, OMIM 602099.
Hereditary spastic paraplegia 11. Also called: Spastic paraplegia, mental retardation and thin corpus callosum; SPASTIC PARAPLEGIA, AUTOSOMAL RECESSIVE, COMPLICATED, WITH THIN CORPUS CALLOSUM; SPASTIC PARAPLEGIA, AUTOSOMAL RECESSIVE, WITH MENTAL IMPAIRMENT AND THIN CORPUS CALLOSUM; Spastic Paraplegia 11; Nakamura Osame syndrome; Autosomal recessive hereditary spastic paraplegia, mental impairment, and thin corpus callosum. Identifiers: Orphanet 2822, MedGen C1858479, MONDO:0011445, OMIM 604360.
Hereditary spastic paraplegia. Also called: Familial spastic paraparesis. Identifiers: Orphanet 685, MedGen C0037773, MONDO:0019064. Disease mechanism: loss of function.
Inborn genetic diseases. Identifiers: MedGen C0950123, MeSH D030342.
Charcot-Marie-Tooth disease axonal type 2X. Also called: CHARCOT-MARIE-TOOTH DISEASE, AXONAL, AUTOSOMAL RECESSIVE, TYPE 2X; CHARCOT-MARIE-TOOTH NEUROPATHY, TYPE 2X. Identifiers: Orphanet 466775, MedGen C5569024, MONDO:0014726, OMIM 616668.

Allele frequency attached by ClinVar (database versions not stated): gnomAD exomes 0.00001; TOPMed 0.00001; ExAC 0.00001; gnomAD 0.00001.
gnomAD v4.1: 15 of 1,613,832 alleles (0.00093%); highest among the groups gnomAD compares: Admixed American, 0.0017%; no homozygotes.

Submissions (7):

GeneDx
Classification: Uncertain significance. Last evaluated: 2025-07-10. Review status: criteria provided, single submitter. Criteria: GeneDx Variant Classification Process June 2021. Collection method: clinical testing. Allele origin: germline.
Comment: Not observed at significant frequency in large population cohorts (gnomAD); In silico analysis supports that this missense variant has a deleterious effect on protein structure/function; Has not been previously published as pathogenic or benign to our knowledge

Ambry Genetics
Classification: Uncertain significance for Inborn genetic diseases. Last evaluated: 2023-04-18. Review status: criteria provided, single submitter. Criteria: Ambry Variant Classification Scheme 2023. Collection method: clinical testing. Allele origin: germline.

Labcorp Genetics (formerly Invitae), Labcorp
Classification: Uncertain significance for Hereditary spastic paraplegia 11. Last evaluated: 2022-03-03. Review status: criteria provided, single submitter. Criteria: Invitae Variant Classification Sherloc (09022015). Collection method: clinical testing. Allele origin: germline.
Comment: This sequence change replaces proline, which is neutral and non-polar, with threonine, which is neutral and polar, at codon 1180 of the SPG11 protein (p.Pro1180Thr). This variant is present in population databases (rs747910594, gnomAD 0.002%). This variant has not been reported in the literature in individuals affected with SPG11-related conditions. ClinVar contains an entry for this variant (Variation ID: 534849). Algorithms developed to predict the effect of missense changes on protein structure and function are either unavailable or do not agree on the potential impact of this missense change (SIFT: "Tolerated"; PolyPhen-2: "Probably Damaging"; Align-GVGD: "Class C0"). In summary, the available evidence is currently insufficient to determine the role of this variant in disease. Therefore, it has been classified as a Variant of Uncertain Significance.

Genome Diagnostics Laboratory, The Hospital for Sick Children
Classification: Uncertain significance for Hereditary spastic paraplegia. Last evaluated: 2017-02-24. Review status: criteria provided, single submitter. Criteria: ACMG Guidelines, 2015. Collection method: clinical testing. Allele origin: germline. Affected: yes.

Genome-Nilou Lab
Classification: Uncertain significance for Amyotrophic lateral sclerosis type 5. Review status: criteria provided, single submitter. Criteria: ACMG Guidelines, 2015. Collection method: clinical testing. Allele origin: germline.

Genome-Nilou Lab
Classification: Uncertain significance for Charcot-Marie-Tooth disease axonal type 2X. Review status: criteria provided, single submitter. Criteria: ACMG Guidelines, 2015. Collection method: clinical testing. Allele origin: germline.

Genome-Nilou Lab
Classification: Uncertain significance for Hereditary spastic paraplegia 11. Review status: criteria provided, single submitter. Criteria: ACMG Guidelines, 2015. Collection method: clinical testing. Allele origin: germline.

NM_025137.4(SPG11):c.3538C>A (p.Pro1180Thr)

Gene: SPG11 (SPG11 vesicle trafficking associated, spatacsin; minus strand). Cytogenetic location: 15q21.1.
Variant type: single nucleotide variant.
Coding change: c.3538C>A on transcript NM_025137.4 (MANE Select); coding-DNA position 3538, C replaced by A.
Protein change: p.Pro1180Thr; replaces proline 1180 with threonine.
Molecular consequence: missense variant.
Genome position (GRCh38, 1-based): chr15:44,600,615, G>T on the plus strand (C>A on the coding strand, the complement: SPG11 is on the minus strand). VCF-style: chr15-44600615-G-T. GRCh37 (hg19) VCF-style: chr15-44892813-G-T.
Other names: c.3538C>A, p.Pro1180Thr (NM_001160227.2); short protein forms P1180T.
Identifiers: ClinVar variation 534849 (VCV000534849.13), dbSNP rs747910594, ClinGen allele CA7534907.